The following is an entry in ClinVar:

ClinVar aggregate classification (germline): Pathogenic. Review status: criteria provided, multiple submitters, no conflicts (2 of 4 stars). 2 submissions from 2 submitters: Pathogenic (2). Last evaluated 2025-04-03.

Conditions:
Polycystic kidney disease, adult type (PKD1). Also called: Polycystic Kidney Disease 1, Autosomal Dominant; Polycystic kidney disease 1; Polycystic kidney disease 1, severe; Polycystic Kidney, Autosomal Dominant; POLYCYSTIC KIDNEY DISEASE, ADULT, TYPE I; POLYCYSTIC KIDNEY DISEASE 1 WITH OR WITHOUT POLYCYSTIC LIVER DISEASE. Identifiers: MedGen C3149841, MONDO:0008263, OMIM 173900.

Submissions (2):

Variantyx, Inc.
Classification: Pathogenic for Polycystic kidney disease, adult type. Last evaluated: 2025-04-03. Review status: criteria provided, single submitter. Criteria: Variantyx Assertion Criteria 2022. Collection method: clinical testing. Allele origin: germline. Inheritance: Autosomal dominant inheritance. Affected: yes.
Comment: This is a nonsense variant in the PKD1 gene (OMIM: 601313). Pathogenic variants in this gene have been associated with autosomal dominant polycystic kidney disease 1. This variant introduces a premature termination codon in exon 23 out of 46 and it is expected to result in loss of function, which is a known disease mechanism for PKD1 in this disorder (PMID: 22508176, 37509056) (PVS1). This variant has been reported in at least one affected individuals (PMID: 22508176) (PS4), while the variant is absent from control populations (PM2). Based on the current evidence, this variant is classified as pathogenic for autosomal dominant polycystic kidney disease 1.

GeneDx
Classification: Pathogenic. Last evaluated: 2024-08-12. Review status: criteria provided, single submitter. Criteria: GeneDx Variant Classification Process June 2021. Collection method: clinical testing. Allele origin: germline. Affected: yes.
Comment: Nonsense variant predicted to result in protein truncation or nonsense mediated decay in a gene for which loss of function is a known mechanism of disease; Not observed at significant frequency in large population cohorts (gnomAD); This variant is associated with the following publications: (PMID: 22508176)

Literature cited by the submitters: PubMed 22508176 (cited by Variantyx, Inc.); PubMed 37509056 (cited by Variantyx, Inc.).

NM_001009944.3(PKD1):c.8203C>T (p.Gln2735Ter)

Gene: PKD1 (polycystin 1, transient receptor potential channel interacting; minus strand). Cytogenetic location: 16p13.3.
Variant type: single nucleotide variant.
Coding change: c.8203C>T on transcript NM_001009944.3 (MANE Select); coding-DNA position 8203, C replaced by T.
Protein change: p.Gln2735Ter; replaces glutamine 2735 with a stop codon.
Molecular consequence: nonsense.
Genome position (GRCh38, 1-based): chr16:2,103,854, G>A on the plus strand (C>T on the coding strand, the complement: PKD1 is on the minus strand). VCF-style: chr16-2103854-G-A. GRCh37 (hg19) VCF-style: chr16-2153855-G-A.
Other names: c.8203C>T, p.Gln2735Ter (NM_000296.4); short protein forms Q2735*.
Identifiers: ClinVar variation 3731105 (VCV003731105.2).